The following is an entry in ClinVar:

ClinVar aggregate classification (germline): Uncertain significance (1 of 4 stars; one submission).

gnomAD v4.1: 1 of 1,613,866 alleles (0.000062%); highest among the groups gnomAD compares: Non-Finnish European, 0.000085%; no homozygotes.

Submission:

Labcorp Genetics (formerly Invitae), Labcorp
Classification: Uncertain significance. Last evaluated: 2025-05-06. Review status: criteria provided, single submitter. Criteria: Invitae Variant Classification Sherloc (09022015). Collection method: clinical testing. Allele origin: germline.
Comment: This sequence change replaces asparagine, which is neutral and polar, with serine, which is neutral and polar, at codon 505 of the HDAC4 protein (p.Asn505Ser). This variant is present in population databases (no rsID available, gnomAD 0.0009%). This variant has not been reported in the literature in individuals affected with HDAC4-related conditions. An algorithm developed to predict the effect of missense changes on protein structure and function outputs the following: PolyPhen-2: "Benign". The serine amino acid residue is found in multiple mammalian species, which suggests that this missense change does not adversely affect protein function. In summary, the available evidence is currently insufficient to determine the role of this variant in disease. Therefore, it has been classified as a Variant of Uncertain Significance.

NM_001378414.1(HDAC4):c.1529A>G (p.Asn510Ser)

Gene: HDAC4 (histone deacetylase 4; minus strand). Cytogenetic location: 2q37.3.
Variant type: single nucleotide variant.
Coding change: c.1529A>G on transcript NM_001378414.1 (MANE Select); coding-DNA position 1529, A replaced by G.
Protein change: p.Asn510Ser; replaces asparagine 510 with serine.
Molecular consequence: missense variant.
Genome position (GRCh38, 1-based): chr2:239,126,460, T>C on the plus strand (A>G on the coding strand, the complement: HDAC4 is on the minus strand). VCF-style: chr2-239126460-T-C. GRCh37 (hg19) VCF-style: chr2-240048156-T-C.
Other names: c.1529A>G, p.Asn510Ser (NM_001378415.1); c.1514A>G, p.Asn505Ser (NM_001378416.1, NM_001378417.1, NM_001435996.1 and 1 more transcripts); c.1448A>G, p.Asn483Ser (NM_001435991.1, NM_001435992.1, NM_001435994.1); c.1370A>G, p.Asn457Ser (NM_001435993.1); c.1433A>G, p.Asn478Ser (NM_001435998.1); short protein forms N457S, N478S, N483S, N505S, N510S.
Identifiers: ClinVar variation 4803260 (VCV004803260.1).